The following is an entry in ClinVar:

ClinVar aggregate classification (germline): Conflicting classifications of pathogenicity. Review status: criteria provided, conflicting classifications (1 of 4 stars). 3 submissions from 3 submitters: Uncertain significance (2); Likely benign (1). Last evaluated 2023-09-15.

Conditions:
Familial thoracic aortic aneurysm and aortic dissection (TAAD). Also called: Thoracic aortic aneurysms and dissections. Identifiers: Orphanet 91387, MedGen C4707243, MONDO:0019625.
Marfan syndrome (MFS). Also called: FBN1-Related Marfan Syndrome; Marfan's syndrome; MARFAN SYNDROME, TYPE I; Marfan syndrome type 1; Marfan syndrome, classic. Identifiers: Orphanet 284963, Orphanet 558, MedGen C0024796, MONDO:0007947, OMIM 154700.

Allele frequency attached by ClinVar (database versions not stated): gnomAD 0.00001; gnomAD exomes 0.00001 and below 0.00001; TOPMed 0.00001; ExAC 0.00001.
gnomAD v4.1: 7 of 1,613,720 alleles (0.00043%); highest among the groups gnomAD compares: Admixed American, 0.0033%; no homozygotes.

Submissions (3):

ARUP Laboratories, Molecular Genetics and Genomics, ARUP Laboratories
Classification: Uncertain significance. Last evaluated: 2023-09-15. Review status: criteria provided, single submitter. Criteria: ARUP Molecular Germline Variant Investigation Process 2024. Collection method: clinical testing. Allele origin: germline.
Comment: The FBN1 c.6835G>A; p.Gly2279Arg variant (rs759674700), to our knowledge, is not reported in the medical literature but is reported in ClinVar (Variation ID: 843495). This variant is found in the general population with an overall allele frequency of 0.001% (3/251,276 alleles) in the Genome Aggregation Database. Computational analyses predict that this variant is deleterious (REVEL: 0.918). However, given the lack of clinical and functional data, the significance of this variant is uncertain at this time.

Labcorp Genetics (formerly Invitae), Labcorp
Classification: Likely benign for Marfan syndrome; Familial thoracic aortic aneurysm and aortic dissection. Last evaluated: 2023-02-13. Review status: criteria provided, single submitter. Criteria: Invitae Variant Classification Sherloc (09022015). Collection method: clinical testing. Allele origin: germline.

GeneDx
Classification: Uncertain significance. Last evaluated: 2020-01-09. Review status: criteria provided, single submitter. Criteria: GeneDx Variant Classification Process June 2021. Collection method: clinical testing. Allele origin: germline. Affected: yes.
Comment: Has not been previously published as pathogenic or benign to our knowledge; Not observed at a significant frequency in large population cohorts (Lek et al., 2016); At the protein level, in silico analysis, which includes protein predictors and evolutionary conservation, supports a deleterious effect; At the mRNA level, in silico analysis, which includes splice predictors and evolutionary conservation, suggests this variant may impact gene splicing; in the absence of RNA/functional studies, the actual effect of this sequence change is unknown; Although located in a calcium-binding EGF-like domain of the FBN1 gene, it does not affect a cysteine residue within this domain; cysteine substitutions in the calcium-binding EGF-like domains represent the majority of pathogenic missense changes associated with FBN1-related disorders (Collod-Beroud et al., 2003)

NM_000138.5(FBN1):c.6835G>A (p.Gly2279Arg)

Gene: FBN1 (fibrillin 1; minus strand). Cytogenetic location: 15q21.1.
Variant type: single nucleotide variant.
Coding change: c.6835G>A on transcript NM_000138.5 (MANE Select); coding-DNA position 6835, G replaced by A.
Protein change: p.Gly2279Arg; replaces glycine 2279 with arginine.
Molecular consequence: missense variant.
Genome position (GRCh38, 1-based): chr15:48,430,707, C>T on the plus strand (G>A on the coding strand, the complement: FBN1 is on the minus strand). VCF-style: chr15-48430707-C-T. GRCh37 (hg19) VCF-style: chr15-48722904-C-T.
Other names: short protein forms G2279R.
Identifiers: ClinVar variation 843495 (VCV000843495.12), dbSNP rs759674700, ClinGen allele CA057462.